The following is an entry in ClinVar:

ClinVar aggregate classification (germline): Uncertain significance. Review status: criteria provided, multiple submitters, no conflicts (2 of 4 stars). 2 submissions from 2 submitters: Uncertain significance (2). Last evaluated 2024-02-17.

Conditions:
Dystonia 12 (DYT12). Also called: Rapid-Onset Dystonia-Parkinsonism (RDP); DYT-ATP1A3. Identifiers: Orphanet 71517, MedGen C1868681, MONDO:0007496, OMIM 128235.

Submissions (2):

GeneDx
Classification: Uncertain significance. Last evaluated: 2024-02-17. Review status: criteria provided, single submitter. Criteria: GeneDx Variant Classification Process June 2021. Collection method: clinical testing. Allele origin: germline. Affected: yes.
Comment: Not observed at significant frequency in large population cohorts (gnomAD); In silico analysis supports that this missense variant has a deleterious effect on protein structure/function; Has not been previously published as pathogenic or benign to our knowledge

Labcorp Genetics (formerly Invitae), Labcorp
Classification: Uncertain significance for Dystonia 12. Last evaluated: 2023-10-14. Review status: criteria provided, single submitter. Criteria: Invitae Variant Classification Sherloc (09022015). Collection method: clinical testing. Allele origin: germline.
Comment: This sequence change replaces glycine, which is neutral and non-polar, with valine, which is neutral and non-polar, at codon 266 of the ATP1A3 protein (p.Gly266Val). This variant is not present in population databases (gnomAD no frequency). This variant has not been reported in the literature in individuals affected with ATP1A3-related conditions. Advanced modeling of protein sequence and biophysical properties (such as structural, functional, and spatial information, amino acid conservation, physicochemical variation, residue mobility, and thermodynamic stability) performed at Invitae indicates that this missense variant is expected to disrupt ATP1A3 protein function. In summary, the available evidence is currently insufficient to determine the role of this variant in disease. Therefore, it has been classified as a Variant of Uncertain Significance.

NM_152296.5(ATP1A3):c.797G>T (p.Gly266Val)

Gene: ATP1A3 (ATPase Na+/K+ transporting subunit alpha 3; minus strand). Cytogenetic location: 19q13.2.
Variant type: single nucleotide variant.
Coding change: c.797G>T on transcript NM_152296.5 (MANE Select); coding-DNA position 797, G replaced by T.
Protein change: p.Gly266Val; replaces glycine 266 with valine.
Molecular consequence: missense variant.
Genome position (GRCh38, 1-based): chr19:41,985,114, C>A on the plus strand (G>T on the coding strand, the complement: ATP1A3 is on the minus strand). VCF-style: chr19-41985114-C-A. GRCh37 (hg19) VCF-style: chr19-42489266-C-A.
Other names: c.830G>T, p.Gly277Val (NM_001256213.2); c.836G>T, p.Gly279Val (NM_001256214.2); c.797G>T (NM_152296.4); short protein forms G266V, G277V, G279V.
Identifiers: ClinVar variation 2748568 (VCV002748568.4), dbSNP rs2514075825, ClinGen allele CA406053099.